The following is an entry in ClinVar:

ClinVar aggregate classification (germline): Uncertain significance (1 of 4 stars; one submission).

Conditions:
Charcot-Marie-Tooth disease type 2. Also called: Charcot-Marie-Tooth type 2. Identifiers: Orphanet 64746, MedGen C0270914, MONDO:0018993.

Submission:

Labcorp Genetics (formerly Invitae), Labcorp
Classification: Uncertain significance for Charcot-Marie-Tooth disease type 2. Last evaluated: 2024-09-03. Review status: criteria provided, single submitter. Criteria: Invitae Variant Classification Sherloc (09022015). Collection method: clinical testing. Allele origin: germline.
Comment: This sequence change creates a premature translational stop signal (p.Phe579Serfs*32) in the GARS gene. It is expected to result in an absent or disrupted protein product. However, the current clinical and genetic evidence is not sufficient to establish whether loss-of-function variants in GARS cause disease. This variant is not present in population databases (gnomAD no frequency). This variant has not been reported in the literature in individuals affected with GARS-related conditions. In summary, the available evidence is currently insufficient to determine the role of this variant in disease. Therefore, it has been classified as a Variant of Uncertain Significance.

NM_002047.4(GARS1):c.1734del (p.Phe579fs)

Gene: GARS1 (glycyl-tRNA synthetase 1; plus strand). Cytogenetic location: 7p14.3.
Variant type: Deletion.
Coding change: c.1734del on transcript NM_002047.4 (MANE Select); coding-DNA position 1734, one base deleted (C; older notation c.1734delC).
Protein change: p.Phe579fs; shifts the reading frame from phenylalanine 579.
Molecular consequence: frameshift variant.
Genome position (GRCh38, 1-based): chr7:30,628,594, C deleted; the last of 2 consecutive C bases (chr7:30,628,593-30,628,594); deleting either gives the same sequence. VCF-style (leftmost placement, unchanged base first): chr7-30628592-TC-T. GRCh37 (hg19) VCF-style: chr7-30668208-TC-T.
Other names: c.1572del, p.Phe525fs (NM_001316772.1); short protein forms F579fs, F525fs.
Identifiers: ClinVar variation 3660072 (VCV003660072.2).